The following is an entry in ClinVar:

ClinVar aggregate classification (germline): Uncertain significance (1 of 4 stars; one submission).

Allele frequency attached by ClinVar (database versions not stated): TOPMed below 0.00001; gnomAD 0.00001; gnomAD exomes 0.00001; ExAC 0.00002.
gnomAD v4.1: 11 of 1,204,530 alleles (0.00091%); highest among the groups gnomAD compares: Non-Finnish European, 0.0012%; no homozygotes.

Submission:

Labcorp Genetics (formerly Invitae), Labcorp
Classification: Uncertain significance. Last evaluated: 2025-07-27. Review status: criteria provided, single submitter. Criteria: Invitae Variant Classification Sherloc (09022015). Collection method: clinical testing. Allele origin: germline.
Comment: This sequence change replaces glutamine, which is neutral and polar, with lysine, which is basic and polar, at codon 447 of the MSN protein (p.Gln447Lys). This variant is not present in population databases (gnomAD no frequency). This variant has not been reported in the literature in individuals affected with MSN-related conditions. ClinVar contains an entry for this variant (Variation ID: 1352948). An algorithm developed to predict the effect of missense changes on protein structure and function (PolyPhen-2) suggests that this variant is likely to be tolerated. In summary, the available evidence is currently insufficient to determine the role of this variant in disease. Therefore, it has been classified as a Variant of Uncertain Significance.

NM_002444.3(MSN):c.1339C>A (p.Gln447Lys)

Gene: MSN (moesin; plus strand). Cytogenetic location: Xq12.
Variant type: single nucleotide variant.
Coding change: c.1339C>A on transcript NM_002444.3 (MANE Select); coding-DNA position 1339, C replaced by A.
Protein change: p.Gln447Lys; replaces glutamine 447 with lysine.
Molecular consequence: missense variant.
Genome position (GRCh38, 1-based): chrX:65,738,612, C>A. VCF-style: chrX-65738612-C-A. GRCh37 (hg19) VCF-style: chrX-64958474-C-A.
Other names: short protein forms Q447K.
Identifiers: ClinVar variation 1352948 (VCV001352948.6), dbSNP rs777009790, ClinGen allele CA10434658.